The following is an entry in ClinVar:

ClinVar aggregate classification (germline): Likely benign. Review status: criteria provided, multiple submitters, no conflicts (2 of 4 stars). 4 submissions from 4 submitters: Likely benign (4). Last evaluated 2026-02-01.

Allele frequency attached by ClinVar (database versions not stated): 1000 Genomes Project 30x 0.00016; 1000 Genomes Project 0.00020; gnomAD 0.00022; ESP Exome Variant Server 0.00031; TOPMed 0.00041.

Submissions (4):

CeGaT Center for Human Genetics Tuebingen
Classification: Likely benign. Last evaluated: 2026-02-01. Review status: criteria provided, single submitter. Criteria: CeGaT Center For Human Genetics Tuebingen Variant Classification Criteria Version 2. Collection method: clinical testing. Allele origin: germline. Affected: yes. Observed: 2 variant alleles.
Comment: H1-4: BP4, BP7

Blueprint Genetics
Classification: Likely benign. Last evaluated: 2024-10-28. Review status: criteria provided, single submitter. Criteria: ACMG Guidelines, 2015. Collection method: clinical testing. Allele origin: germline.

Labcorp Genetics (formerly Invitae), Labcorp
Classification: Likely benign. Last evaluated: 2019-12-31. Review status: criteria provided, single submitter. Criteria: Invitae Variant Classification Sherloc (09022015). Collection method: clinical testing. Allele origin: germline.

Breakthrough Genomics
Classification: Likely benign. Review status: criteria provided, single submitter. Criteria: ACMG Guidelines, 2015. Collection method: not provided. Allele origin: germline. Inheritance: Autosomal dominant inheritance. Affected: yes.

NM_005321.3(H1-4):c.312C>T (p.Ser104=)

Gene: H1-4 (H1.4 linker histone, cluster member; plus strand). Cytogenetic location: 6p22.2.
Variant type: single nucleotide variant.
Coding change: c.312C>T on transcript NM_005321.3 (MANE Select); coding-DNA position 312, C replaced by T.
Protein change: p.Ser104=; no amino-acid change (serine 104 retained).
Molecular consequence: synonymous variant.
Genome position (GRCh38, 1-based): chr6:26,156,702, C>T. VCF-style: chr6-26156702-C-T. GRCh37 (hg19) VCF-style: chr6-26156930-C-T.
Identifiers: ClinVar variation 722769 (VCV000722769.30), dbSNP rs146998803, ClinGen allele CA3668030.